The following is an entry in ClinVar:

NM_022828.5(YTHDC2):c.188-6G>A

Gene: YTHDC2 (YTH N6-methyladenosine RNA binding protein C2; plus strand). Cytogenetic location: 5q22.2.
Variant type: single nucleotide variant.
Coding change: c.188-6G>A on transcript NM_022828.5 (MANE Select); 6 bases into the intron before coding-DNA position 188, G replaced by A.
Molecular consequence: intron variant.
Genome position (GRCh38, 1-based): chr5:113,515,266, G>A. VCF-style: chr5-113515266-G-A. GRCh37 (hg19) VCF-style: chr5-112850963-G-A.
Other names: NC_000005.9:g.112850963G>A; c.-102-6G>A (NM_001345975.2); c.-316-6G>A (NM_001345976.2).
Identifiers: ClinVar variation 3037545 (VCV003037545.3), dbSNP rs1035409, ClinGen allele CA3371394.
Genomic context (GRCh38, chr5:113,515,266, plus strand): 5'-GTGTGTTTTACTTGAGAGAAAATTGCCTATCTACAAATTTTACTACTTTGTTTTTTTTCC[G>A]TGTAGAAATGGAATTTCCTTCTTCTTTGACCAGTACTGAAAGAGCCTTTATTCATCGACT-3'

ClinVar aggregate classification (germline): Benign (0 of 4 stars; one submission).

Conditions:
YTHDC2-related disorder. Also called: YTHDC2-related condition.

Allele frequency attached by ClinVar (database versions not stated): 1000 Genomes Project 0.08526; 1000 Genomes Project 30x 0.08635; ExAC 0.09843; TOPMed 0.10538; ESP Exome Variant Server 0.11344; gnomAD 0.11562.
gnomAD v4.1: 173,316 of 1,592,016 alleles (11%); highest among the groups gnomAD compares: African/African-American, 14%; 10,173 homozygotes.

Submissions (8):

PreventionGenetics, part of Exact Sciences
Classification: Benign for YTHDC2-related condition. Last evaluated: 2019-10-30. Review status: no assertion criteria provided. Collection method: clinical testing. Allele origin: germline.
Comment: This variant is classified as benign based on ACMG/AMP sequence variant interpretation guidelines (Richards et al. 2015 PMID: 25741868, with internal and published modifications).

Dr. Peter K. Rogan Lab, Western University
No classification provided (evidence only). Condition: Thymoma. Review status: no classification provided. Collection method: in vitro. Allele origin: not applicable. Functional consequence: retained intron. Not counted in ClinVar's aggregate classification.

Dr. Peter K. Rogan Lab, Western University
No classification provided (evidence only). Condition: Thymoma. Review status: no classification provided. Collection method: in vitro. Allele origin: not applicable. Functional consequence: retained intron. Not counted in ClinVar's aggregate classification.

Dr. Peter K. Rogan Lab, Western University
No classification provided (evidence only). Condition: Cholangiocarcinoma. Review status: no classification provided. Collection method: in vitro. Allele origin: not applicable. Functional consequence: retained intron. Not counted in ClinVar's aggregate classification.

Dr. Peter K. Rogan Lab, Western University
No classification provided (evidence only). Condition: Uterine carcinosarcoma. Review status: no classification provided. Collection method: in vitro. Allele origin: not applicable. Functional consequence: retained intron. Not counted in ClinVar's aggregate classification.

Dr. Peter K. Rogan Lab, Western University
No classification provided (evidence only). Condition: Uterine carcinosarcoma. Review status: no classification provided. Collection method: in vitro. Allele origin: not applicable. Functional consequence: retained intron. Not counted in ClinVar's aggregate classification.

Dr. Peter K. Rogan Lab, Western University
No classification provided (evidence only). Condition: Uterine carcinosarcoma. Review status: no classification provided. Collection method: in vitro. Allele origin: not applicable. Functional consequence: retained intron. Not counted in ClinVar's aggregate classification.

Dr. Peter K. Rogan Lab, Western University
No classification provided (evidence only). Condition: Uveal melanoma. Review status: no classification provided. Collection method: in vitro. Allele origin: not applicable. Functional consequence: retained intron. Not counted in ClinVar's aggregate classification.